The following is an entry in ClinVar:

ClinVar aggregate classification (germline): Uncertain significance (1 of 4 stars; one submission).

Conditions:
RPS6KA3-related disorder. Also called: RPS6KA3-related condition.

gnomAD v4.1: 4 of 1,210,115 alleles (0.00033%); highest among the groups gnomAD compares: East Asian, 0.003%; no homozygotes.

Submission:

PreventionGenetics, part of Exact Sciences
Classification: Uncertain significance for RPS6KA3-related condition. Last evaluated: 2026-03-18. Review status: criteria provided, single submitter. Criteria: ACMG Guidelines, 2015. Collection method: clinical testing. Allele origin: germline.
Comment: The RPS6KA3 c.2135G>A variant is predicted to result in the amino acid substitution p.Arg712His. This variant has been reported as a variant of uncertain significance in an individual with intellectual disability and epilepsy (Table S6, Ganapathy et al. 2019. PubMed ID: 31069529). This variant is reported in 0.0062% of alleles in individuals of European (Finnish) descent in gnomAD. At this time, the clinical significance of this variant is uncertain due to the absence of conclusive functional and genetic evidence.

NM_004586.3(RPS6KA3):c.2135G>A (p.Arg712His)

Gene: RPS6KA3 (ribosomal protein S6 kinase A3; minus strand). Cytogenetic location: Xp22.12.
Variant type: single nucleotide variant.
Coding change: c.2135G>A on transcript NM_004586.3 (MANE Select); coding-DNA position 2135, G replaced by A.
Protein change: p.Arg712His; replaces arginine 712 with histidine.
Molecular consequence: missense variant.
Genome position (GRCh38, 1-based): chrX:20,155,486, C>T on the plus strand (G>A on the coding strand, the complement: RPS6KA3 is on the minus strand). VCF-style: chrX-20155486-C-T. GRCh37 (hg19) VCF-style: chrX-20173604-C-T.
Other names: c.2051G>A, p.Arg684His (NM_001438340.1); short protein forms R684H, R712H.
Identifiers: ClinVar variation 4988269 (VCV004988269.1).